The following is an entry in ClinVar:

ClinVar aggregate classification (germline): Likely benign (1 of 4 stars; one submission).

Submission:

CeGaT Center for Human Genetics Tuebingen
Classification: Likely benign. Last evaluated: 2026-04-01. Review status: criteria provided, single submitter. Criteria: CeGaT Center For Human Genetics Tuebingen Variant Classification Criteria Version 2. Collection method: clinical testing. Allele origin: germline. Affected: yes. Observed: 1 variant allele.
Comment: NOD2: PM2:Supporting, BP4, BP7

NM_001370466.1(NOD2):c.852G>A (p.Arg284=)

Gene: NOD2 (nucleotide binding oligomerization domain containing 2; plus strand). Cytogenetic location: 16q12.1.
Variant type: single nucleotide variant.
Coding change: c.852G>A on transcript NM_001370466.1 (MANE Select); coding-DNA position 852, G replaced by A.
Protein change: p.Arg284=; no amino-acid change (arginine 284 retained).
Molecular consequence: synonymous variant. On other transcripts: non-coding transcript variant (1).
Genome position (GRCh38, 1-based): chr16:50,710,844, G>A. VCF-style: chr16-50710844-G-A. GRCh37 (hg19) VCF-style: chr16-50744755-G-A.
Other names: c.852G>A, p.Arg284= (NM_001293557.2); c.933G>A, p.Arg311= (NM_022162.3).
Identifiers: ClinVar variation 4874653 (VCV004874653.2).